The following is an entry in ClinVar:

ClinVar aggregate classification (germline): Uncertain significance (1 of 4 stars; one submission).

Conditions:
DYRK1A-related intellectual disability syndrome (MRD7). Also called: Intellectual developmental disorder, autosomal dominant 7; DYRK1A Syndrome. Identifiers: Orphanet 464306, MedGen C5568143, MONDO:0013578, OMIM 614104.

gnomAD v4.1: 1 of 1,614,056 alleles (0.000062%); highest among the groups gnomAD compares: Non-Finnish European, 0.000085%; no homozygotes.

Submission:

Labcorp Genetics (formerly Invitae), Labcorp
Classification: Uncertain significance for DYRK1A-related intellectual disability syndrome. Last evaluated: 2023-08-30. Review status: criteria provided, single submitter. Criteria: Invitae Variant Classification Sherloc (09022015). Collection method: clinical testing. Allele origin: germline.
Comment: This variant is not present in population databases (gnomAD no frequency). This sequence change replaces glycine, which is neutral and non-polar, with aspartic acid, which is acidic and polar, at codon 649 of the DYRK1A protein (p.Gly649Asp). This variant has not been reported in the literature in individuals affected with DYRK1A-related conditions. In summary, the available evidence is currently insufficient to determine the role of this variant in disease. Therefore, it has been classified as a Variant of Uncertain Significance. An algorithm developed to predict the effect of missense changes on protein structure and function (PolyPhen-2) suggests that this variant is likely to be tolerated.

NM_001347721.2(DYRK1A):c.1919G>A (p.Gly640Asp)

Gene: DYRK1A (dual specificity tyrosine phosphorylation regulated kinase 1A; plus strand). Cytogenetic location: 21q22.13.
Variant type: single nucleotide variant.
Coding change: c.1919G>A on transcript NM_001347721.2 (MANE Select); coding-DNA position 1919, G replaced by A.
Protein change: p.Gly640Asp; replaces glycine 640 with aspartic acid.
Molecular consequence: missense variant. On other transcripts: 3 prime UTR variant (2).
Genome position (GRCh38, 1-based): chr21:37,512,185, G>A. VCF-style: chr21-37512185-G-A. GRCh37 (hg19) VCF-style: chr21-38884488-G-A.
Other names: c.1919G>A, p.Gly640Asp (NM_001347722.2, NM_130436.2); c.1832G>A, p.Gly611Asp (NM_001347723.2); c.1946G>A, p.Gly649Asp (NM_001396.5); c.*322G>A (NM_101395.2); c.*231G>A (NM_130438.2); short protein forms G649D, G611D, G640D.
Identifiers: ClinVar variation 2756801 (VCV002756801.3), dbSNP rs2518096882, ClinGen allele CA409939876.